The following is an entry in ClinVar:

ClinVar aggregate classification (germline): Benign. Review status: criteria provided, multiple submitters, no conflicts (2 of 4 stars). 2 submissions from 2 submitters: Benign (2). Last evaluated 2022-08-01.

Conditions:
Hereditary diffuse gastric adenocarcinoma (HDGC). Also called: DIFFUSE GASTRIC AND LOBULAR BREAST CANCER SYNDROME. Identifiers: Orphanet 26106, MedGen C1708349, MONDO:0007648, OMIM 137215.

Allele frequency attached by ClinVar (database versions not stated): 1000 Genomes Project 30x 0.00078; TOPMed 0.00079; 1000 Genomes Project 0.00100; gnomAD 0.00193 and 0.00197.
gnomAD v4.1: 2,248 of 1,500,992 alleles (0.15%); highest among the groups gnomAD compares: Non-Finnish European, 0.12%; 10 homozygotes.

Submissions (2):

European Reference Network on Genetic Tumour Risk Syndromes (ERN-GENTURIS), i3s - Instituto de Investigação e Inovação em Saúde, University of Porto
Classification: Benign for Hereditary diffuse gastric adenocarcinoma. Last evaluated: 2022-08-01. Review status: criteria provided, single submitter. Criteria: Lee et al. (Hum Mutat. 2018). Collection method: clinical testing. Allele origin: germline. Inheritance: Autosomal dominant inheritance. Affected: no. Study: ERN GENTURIS.
Comment: BS2_Supporting; BA1 (PMID: 30311375)

PreventionGenetics, part of Exact Sciences
Classification: Benign. Last evaluated: 2016-10-25. Review status: criteria provided, single submitter. Criteria: ACMG Guidelines, 2015. Collection method: clinical testing. Allele origin: germline.

Literature cited by the submitters: PubMed 36436516 (cited by European Reference Network on Genetic Tumour Risk Syndromes (ERN-GENTURIS), i3s - Instituto de Investigação e Inovação em Saúde, University of Porto).

NM_004360.5(CDH1):c.687+66A>G

Gene: CDH1 (cadherin 1; plus strand). Cytogenetic location: 16q22.1.
Variant type: single nucleotide variant.
Coding change: c.687+66A>G on transcript NM_004360.5 (MANE Select); 66 bases into the intron after coding-DNA position 687, A replaced by G.
Molecular consequence: intron variant.
Genome position (GRCh38, 1-based): chr16:68,808,914, A>G. VCF-style: chr16-68808914-A-G. GRCh37 (hg19) VCF-style: chr16-68842817-A-G.
Other names: c.687+66A>G (LRG_301t1, NM_001317184.2, NM_004360.4); c.-929+66A>G (NM_001317185.2); c.-1133+66A>G (NM_001317186.2).
Identifiers: ClinVar variation 560826 (VCV000560826.3), dbSNP rs193267869, ClinGen allele CA283297383.